The following is an entry in ClinVar:

ClinVar aggregate classification (germline): Uncertain significance. Review status: criteria provided, multiple submitters, no conflicts (2 of 4 stars). 5 submissions from 5 submitters: Uncertain significance (5). Last evaluated 2025-12-16.

Conditions:
Familial thoracic aortic aneurysm and aortic dissection (TAAD). Also called: Thoracic aortic aneurysms and dissections. Identifiers: Orphanet 91387, MedGen C4707243, MONDO:0019625.
Aneurysm-osteoarthritis syndrome. Also called: LOEYS-DIETZ SYNDROME WITH OSTEOARTHRITIS; SMAD3-Related Loeys-Dietz Syndrome; Loeys-Dietz syndrome, type 1C; ANEURYSMS-OSTEOARTHRITIS SYNDROME. Identifiers: Orphanet 284984, MedGen C3151087, MONDO:0013426, OMIM 613795.

Allele frequency attached by ClinVar (database versions not stated): ExAC 0.00002; gnomAD exomes 0.00002 and 0.00003; TOPMed 0.00002; gnomAD 0.00003.
gnomAD v4.1: 42 of 1,613,892 alleles (0.0026%); highest among the groups gnomAD compares: Middle Eastern, 0.016%; no homozygotes.

Submissions (5):

Labcorp Genetics (formerly Invitae), Labcorp
Classification: Uncertain significance for Familial thoracic aortic aneurysm and aortic dissection. Last evaluated: 2025-12-16. Review status: criteria provided, single submitter. Criteria: Invitae Variant Classification Sherloc (09022015). Collection method: clinical testing. Allele origin: germline.
Comment: This sequence change replaces proline, which is neutral and non-polar, with leucine, which is neutral and non-polar, at codon 211 of the SMAD3 protein (p.Pro211Leu). This variant is present in population databases (rs772510704, gnomAD 0.005%). This variant has not been reported in the literature in individuals affected with SMAD3-related conditions. ClinVar contains an entry for this variant (Variation ID: 924238). Invitae Evidence Modeling incorporating data from in vitro experimental studies (internal data) indicates that this missense variant is not expected to disrupt SMAD3 function with a negative predictive value of 95%. In summary, the available evidence is currently insufficient to determine the role of this variant in disease. Therefore, it has been classified as a Variant of Uncertain Significance.

Color Diagnostics, LLC DBA Color Health
Classification: Uncertain significance for Familial thoracic aortic aneurysm and aortic dissection. Last evaluated: 2024-03-06. Review status: criteria provided, single submitter. Criteria: ACMG Guidelines, 2015. Collection method: clinical testing. Allele origin: germline.
Comment: This missense variant replaces proline with leucine at codon 211 of the SMAD3 protein. Computational prediction suggests that this variant may not impact protein structure and function (internally defined REVEL score threshold <= 0.5, PMID: 27666373). Splice site prediction tools suggest that this variant may not impact RNA splicing. To our knowledge, functional studies have not been performed for this variant. This variant has not been reported in individuals affected with cardiovascular disorders in the literature. This variant has been identified in 6/282858 chromosomes in the general population by the Genome Aggregation Database (gnomAD). The available evidence is insufficient to determine the role of this variant in disease conclusively. Therefore, this variant is classified as a Variant of Uncertain Significance.

Women's Health and Genetics/Laboratory Corporation of America, LabCorp
Classification: Uncertain significance. Last evaluated: 2023-12-18. Review status: criteria provided, single submitter. Criteria: LabCorp Variant Classification Summary - May 2015. Collection method: clinical testing. Allele origin: germline.
Comment: Variant summary: SMAD3 c.632C>T (p.Pro211Leu) results in a non-conservative amino acid change in the encoded protein sequence. Three of five in-silico tools predict a damaging effect of the variant on protein function. The variant allele was found at a frequency of 2e-05 in 251448 control chromosomes (gnomAD). The available data on variant occurrences in the general population are insufficient to allow any conclusion about variant significance. To our knowledge, no occurrence of c.632C>T in individuals affected with Aortopathy and no experimental evidence demonstrating its impact on protein function have been reported. Two submitters have cited clinical-significance assessments for this variant to ClinVar after 2014. All submitters classified the variant as uncertain significance. Based on the evidence outlined above, the variant was classified as uncertain significance.

All of Us Research Program, National Institutes of Health
Classification: Uncertain significance for Aneurysm-osteoarthritis syndrome. Last evaluated: 2023-11-30. Review status: criteria provided, single submitter. Criteria: ACMG Guidelines, 2015. Collection method: clinical testing. Allele origin: germline. Inheritance: Autosomal dominant inheritance. Observed: 3 variant alleles, 3 heterozygotes.
Comment: This missense variant replaces proline with leucine at codon 211 of the SMAD3 protein. Computational prediction suggests that this variant may not impact protein structure and function (internally defined REVEL score threshold <= 0.5, PMID: 27666373). Splice site prediction tools suggest that this variant may not impact RNA splicing. To our knowledge, functional studies have not been performed for this variant. This variant has not been reported in individuals affected with cardiovascular disorders in the literature. This variant has been identified in 6/282858 chromosomes in the general population by the Genome Aggregation Database (gnomAD). The available evidence is insufficient to determine the role of this variant in disease conclusively. Therefore, this variant is classified as a Variant of Uncertain Significance.

This study involves interpretation of variants in research participants for the purpose of population health screening. Participant phenotype was not available at the time of variant classification. Additional details can be found in publication PMID: 35346344, PMCID: PMC8962531

GeneDx
Classification: Uncertain significance. Last evaluated: 2023-02-16. Review status: criteria provided, single submitter. Criteria: GeneDx Variant Classification Process June 2021. Collection method: clinical testing. Allele origin: germline. Affected: yes.
Comment: Has not been previously published as pathogenic or benign to our knowledge; In silico analysis supports that this missense variant does not alter protein structure/function

NM_005902.4(SMAD3):c.632C>T (p.Pro211Leu)

Gene: SMAD3 (SMAD family member 3; plus strand). Cytogenetic location: 15q22.33.
Variant type: single nucleotide variant.
Coding change: c.632C>T on transcript NM_005902.4 (MANE Select); coding-DNA position 632, C replaced by T.
Protein change: p.Pro211Leu; replaces proline 211 with leucine.
Molecular consequence: missense variant.
Genome position (GRCh38, 1-based): chr15:67,170,578, C>T. VCF-style: chr15-67170578-C-T. GRCh37 (hg19) VCF-style: chr15-67462916-C-T.
Other names: c.317C>T, p.Pro106Leu (NM_001145102.2); c.500C>T, p.Pro167Leu (NM_001145103.2); c.47C>T, p.Pro16Leu (NM_001145104.2); short protein forms P106L, P167L, P16L, P211L.
Identifiers: ClinVar variation 924238 (VCV000924238.10), dbSNP rs772510704, ClinGen allele CA062440.